The following is an entry in ClinVar:

NM_000059.4(BRCA2):c.4346del (p.Phe1449fs)

Gene: BRCA2 (BRCA2 DNA repair associated; plus strand). Cytogenetic location: 13q13.1.
Variant type: Deletion.
Coding change: c.4346del on transcript NM_000059.4 (MANE Select); coding-DNA position 4346, one base deleted (T; older notation c.4346delT).
Protein change: p.Phe1449fs; shifts the reading frame from phenylalanine 1449.
Molecular consequence: frameshift variant. On other transcripts: non-coding transcript variant (1), intron variant (2).
Genome position (GRCh38, 1-based): chr13:32,338,701, T deleted; the last of 3 consecutive T bases (chr13:32,338,699-32,338,701); deleting any one gives the same sequence. VCF-style (leftmost placement, unchanged base first): chr13-32338698-AT-A. GRCh37 (hg19) VCF-style: chr13-32912835-AT-A.
Other names: c.4346del, p.Phe1449fs (NM_001406719.1, NM_001406720.1, NM_001432077.1); c.1909+5314del (NM_001406721.1); c.425-5857del (NM_001406722.1); short protein forms F1449fs.
Identifiers: ClinVar variation 3660143 (VCV003660143.2).
Genomic context (GRCh38, chr13:32,338,698, plus strand): 5'-TTCAGACTGCAAGTGGGAAAAATATTAGTGTCGCCAAAGAGTCATTTAATAAAATTGTAA[AT>A]TTCTTTGATCAGAAACCAGAAGAATTGCATAACTTTTCCTTAAATTCTGAATTACATTCT-3'

ClinVar aggregate classification (germline): Pathogenic (1 of 4 stars; one submission).

Conditions:
Hereditary breast ovarian cancer syndrome. Also called: Hereditary breast and ovarian cancer syndrome; Hereditary breast and/or ovarian cancer syndrome; Hereditary breast and ovarian cancer; Breast and ovarian cancer; Hereditary breast and ovarian cancer syndrome (HBOC); BRCA1- and BRCA2-Associated Hereditary Breast and Ovarian Cancer. Identifiers: Orphanet 145, MedGen C0677776, MeSH D061325, MONDO:0003582. Disease mechanism: loss of function.

Submission:

Labcorp Genetics (formerly Invitae), Labcorp
Classification: Pathogenic for Hereditary breast ovarian cancer syndrome. Last evaluated: 2024-07-22. Review status: criteria provided, single submitter. Criteria: Invitae Variant Classification Sherloc (09022015). Collection method: clinical testing. Allele origin: germline.
Comment: This sequence change creates a premature translational stop signal (p.Phe1449Serfs*14) in the BRCA2 gene. It is expected to result in an absent or disrupted protein product. Loss-of-function variants in BRCA2 are known to be pathogenic (PMID: 20104584). This variant is not present in population databases (gnomAD no frequency). This variant has not been reported in the literature in individuals affected with BRCA2-related conditions. For these reasons, this variant has been classified as Pathogenic.

Literature cited by the submitters: PubMed 20104584.